The following is an entry in ClinVar:

ClinVar aggregate classification (germline): Uncertain significance (1 of 4 stars; one submission).

gnomAD v4.1: 7 of 1,613,990 alleles (0.00043%); highest among the groups gnomAD compares: Admixed American, 0.0033%; no homozygotes.

Submission:

CeGaT Center for Human Genetics Tuebingen
Classification: Uncertain significance. Last evaluated: 2023-09-01. Review status: criteria provided, single submitter. Criteria: CeGaT Center For Human Genetics Tuebingen Variant Classification Criteria Version 2. Collection method: clinical testing. Allele origin: germline. Affected: yes. Observed: 1 variant allele.
Comment: ATP2C2: PM2:Supporting, PP3

NM_014861.4(ATP2C2):c.2148-3C>G

Gene: ATP2C2 (ATPase secretory pathway Ca2+ transporting 2; plus strand). Cytogenetic location: 16q24.1.
Variant type: single nucleotide variant.
Coding change: c.2148-3C>G on transcript NM_014861.4 (MANE Select); 3 bases into the intron before coding-DNA position 2148, C replaced by G.
Molecular consequence: intron variant.
Genome position (GRCh38, 1-based): chr16:84,459,117, C>G. VCF-style: chr16-84459117-C-G. GRCh37 (hg19) VCF-style: chr16-84492723-C-G.
Other names: c.2148-3C>G (NM_001286527.3); c.1695-3C>G (NM_001291454.2).
Identifiers: ClinVar variation 2646922 (VCV002646922.24), dbSNP rs779928270, ClinGen allele CA285532175.